The following is an entry in ClinVar:

NM_001035.3(RYR2):c.1293-272T>A

Gene: RYR2 (ryanodine receptor 2; plus strand). Cytogenetic location: 1q43.
Variant type: single nucleotide variant.
Coding change: c.1293-272T>A on transcript NM_001035.3 (MANE Select); 272 bases into the intron before coding-DNA position 1293, T replaced by A.
Molecular consequence: intron variant.
Genome position (GRCh38, 1-based): chr1:237,454,119, T>A. VCF-style: chr1-237454119-T-A. GRCh37 (hg19) VCF-style: chr1-237617419-T-A.
Identifiers: ClinVar variation 683766 (VCV000683766.1), dbSNP rs4512635, ClinGen allele CA10757280.

ClinVar aggregate classification (germline): Benign (1 of 4 stars; one submission).

Allele frequency attached by ClinVar (database versions not stated): TOPMed 0.51064; gnomAD 0.51504 and 0.52291; 1000 Genomes Project 30x 0.53404; 1000 Genomes Project 0.54353.
gnomAD v4.1: 79,347 of 151,570 alleles (52%); highest among the groups gnomAD compares: East Asian, 80%; 22,206 homozygotes.

Submission:

GeneDx
Classification: Benign. Last evaluated: 2018-06-18. Review status: criteria provided, single submitter. Criteria: GeneDx Variant Classification (06012015). Collection method: clinical testing. Allele origin: germline. Affected: yes.
Comment: This variant is considered likely benign or benign based on one or more of the following criteria: it is a conservative change, it occurs at a poorly conserved position in the protein, it is predicted to be benign by multiple in silico algorithms, and/or has population frequency not consistent with disease.